The following is an entry in ClinVar:

ClinVar aggregate classification (germline): Uncertain significance (1 of 4 stars; one submission).

Conditions:
Macrothrombocytopenia and granulocyte inclusions with or without nephritis or sensorineural hearing loss (MATINS). Also called: MACROTHROMBOCYTOPENIA WITH LEUKOCYTE INCLUSIONS; DOHLE LEUKOCYTE INCLUSIONS WITH GIANT PLATELETS; BLEEDING DISORDER, PLATELET-TYPE, 6; SEBASTIAN PLATELET SYNDROME; MACROTHROMBOCYTOPENIA WITH DISPERSED LEUKOCYTIC INCLUSIONS; MACROTHROMBOCYTOPENIA, NEPHRITIS, AND DEAFNESS. Identifiers: Orphanet 182050, MedGen C5200934, MONDO:0015912, OMIM 155100.

Submission:

Centre for Mendelian Genomics, University Medical Centre Ljubljana
Classification: Uncertain significance for Macrothrombocytopenia and granulocyte inclusions with or without nephritis or sensorineural hearing loss. Last evaluated: 2019-10-11. Review status: criteria provided, single submitter. Criteria: ACMG Guidelines, 2015. Collection method: clinical testing. Allele origin: unknown. Affected: yes.
Comment: This variant was classified as: Uncertain significance. The available evidence on this variant's pathogenicity is insufficient or conflicting. The following ACMG criteria were applied in classifying this variant: PM2,PP3.

NM_002473.6(MYH9):c.1960C>G (p.Leu654Val)

Gene: MYH9 (myosin heavy chain 9; minus strand). Cytogenetic location: 22q12.3.
Variant type: single nucleotide variant.
Coding change: c.1960C>G on transcript NM_002473.6 (MANE Select); coding-DNA position 1960, C replaced by G.
Protein change: p.Leu654Val; replaces leucine 654 with valine.
Molecular consequence: missense variant.
Genome position (GRCh38, 1-based): chr22:36,306,491, G>C on the plus strand (C>G on the coding strand, the complement: MYH9 is on the minus strand). VCF-style: chr22-36306491-G-C. GRCh37 (hg19) VCF-style: chr22-36702537-G-C.
Other names: short protein forms L654V.
Identifiers: ClinVar variation 931800 (VCV000931800.3), dbSNP rs527418116, ClinGen allele CA411397837.